The following is an entry in ClinVar:

NM_000257.4(MYH7):c.5316G>T (p.Glu1772Asp)

Gene: MYH7 (myosin heavy chain 7; minus strand). Cytogenetic location: 14q11.2.
Variant type: single nucleotide variant.
Coding change: c.5316G>T on transcript NM_000257.4 (MANE Select); coding-DNA position 5316, G replaced by T.
Protein change: p.Glu1772Asp; replaces glutamic acid 1772 with aspartic acid.
Molecular consequence: missense variant.
Genome position (GRCh38, 1-based): chr14:23,415,238, C>A on the plus strand (G>T on the coding strand, the complement: MYH7 is on the minus strand). VCF-style: chr14-23415238-C-A. GRCh37 (hg19) VCF-style: chr14-23884447-C-A.
Other names: c.5316G>T, p.Glu1772Asp (NM_001407004.1); short protein forms E1772D.
Identifiers: ClinVar variation 2708702 (VCV002708702.3), dbSNP rs758213465, ClinGen allele CA389035854.
Genomic context (GRCh38, chr14:23,415,238, plus strand): 5'-GTCCTTAATGGTCTGTTCCATGTTCTTCTTCATGCGCTCCAGGTGGGCGCTGGTGTCCTG[C>A]TCCTTCTTCAGCTCCTCTGCCATCATGGCGGCCTGTGTGCAGGAGAGAGGTGGCACATGG-3'
Protein context (NP_000248.2, residues 1762-1782): AAMMAEELKK[Glu1772Asp]QDTSAHLERM

ClinVar aggregate classification (germline): Uncertain significance (1 of 4 stars; one submission).

Conditions:
Hypertrophic cardiomyopathy. Also called: HYPERTROPHIC MYOCARDIOPATHY. Identifiers: Orphanet 217569, MedGen C0007194, MeSH D002312, MONDO:0005045, HP:0001639.

Submission:

Labcorp Genetics (formerly Invitae), Labcorp
Classification: Uncertain significance for Hypertrophic cardiomyopathy. Last evaluated: 2024-09-05. Review status: criteria provided, single submitter. Criteria: Invitae Variant Classification Sherloc (09022015). Collection method: clinical testing. Allele origin: germline.
Comment: This sequence change replaces glutamic acid, which is acidic and polar, with aspartic acid, which is acidic and polar, at codon 1772 of the MYH7 protein (p.Glu1772Asp). This variant is not present in population databases (gnomAD no frequency). This variant has not been reported in the literature in individuals affected with MYH7-related conditions. Invitae Evidence Modeling of protein sequence and biophysical properties (such as structural, functional, and spatial information, amino acid conservation, physicochemical variation, residue mobility, and thermodynamic stability) indicates that this missense variant is expected to disrupt MYH7 protein function with a positive predictive value of 95%. In summary, the available evidence is currently insufficient to determine the role of this variant in disease. Therefore, it has been classified as a Variant of Uncertain Significance.